The following is an entry in ClinVar:

NM_000091.5(COL4A3):c.2021-1G>A

Genes: COL4A3 (collagen type IV alpha 3 chain; plus strand), MFF-DT (MFF divergent transcript; minus strand). Cytogenetic location: 2q36.3.
Variant type: single nucleotide variant.
Coding change: c.2021-1G>A on transcript NM_000091.5 (MANE Select); the canonical splice acceptor site of the intron before coding-DNA position 2021, G replaced by A.
Molecular consequence: splice acceptor variant.
Genome position (GRCh38, 1-based): chr2:227,277,448, G>A. VCF-style: chr2-227277448-G-A. GRCh37 (hg19) VCF-style: chr2-228142164-G-A.
Identifiers: ClinVar variation 4853869 (VCV004853869.1).

ClinVar aggregate classification (germline): Pathogenic (1 of 4 stars; one submission).

Conditions:
Autosomal dominant Alport syndrome (ATS3A). Also called: ALPORT SYNDROME 3A, AUTOSOMAL DOMINANT; Alport syndrome dominant type; Renal failure and sensorineural hearing loss. Identifiers: Orphanet 63, Orphanet 88918, MedGen C5882663, MONDO:0007086, OMIM 104200.

Submission:

Centre de Génétique Humaine, Institut de Pathologie Et de Génétique
Classification: Pathogenic for Autosomal dominant Alport syndrome. Last evaluated: 2026-03-20. Review status: criteria provided, single submitter. Criteria: ACMG Guidelines, 2015. Collection method: clinical testing. Allele origin: germline. Inheritance: Autosomal dominant inheritance. Affected: yes. Observed: 1 variant allele, 1 heterozygote. Segregation with disease not observed.
Comment: Variant located in the canonical acceptor splice site of intron 27 (PVS1). Another variant affecting the same nucleotide described c.2021-1G>C: PMID: 33772369 (PM1). This variant is rare: absent in gnomAD v4.1.0 database (PM2). Described in patient with Alport S (PP5)

Literature cited by the submitters: PubMed 38262496.